The following is an entry in ClinVar:

ClinVar aggregate classification (germline): Pathogenic/Likely pathogenic. Review status: criteria provided, multiple submitters, no conflicts (2 of 4 stars). 2 submissions from 2 submitters: Pathogenic (1); Likely pathogenic (1). Last evaluated 2025-06-04.

Submissions (2):

GeneDx
Classification: Pathogenic. Last evaluated: 2025-06-04. Review status: criteria provided, single submitter. Criteria: GeneDx Variant Classification Process June 2021. Collection method: clinical testing. Allele origin: germline. Affected: yes.
Comment: Nonsense variant predicted to result in protein truncation or nonsense mediated decay in a gene for which loss of function is a known mechanism of disease; Not observed at significant frequency in large population cohorts (gnomAD); Has not been previously published as pathogenic or benign to our knowledge; This variant is associated with the following publications: (PMID: Faya2025[abstract])

AiLife Diagnostics
Classification: Likely pathogenic. Last evaluated: 2021-06-02. Review status: criteria provided, single submitter. Criteria: ACMG Guidelines, 2015. Collection method: clinical testing. Allele origin: germline. Affected: yes. Observed: 1 variant allele.

NM_003722.5(TP63):c.1177C>T (p.Arg393Ter)

Gene: TP63 (tumor protein p63; plus strand). Cytogenetic location: 3q28.
Variant type: single nucleotide variant.
Coding change: c.1177C>T on transcript NM_003722.5 (MANE Select); coding-DNA position 1177, C replaced by T.
Protein change: p.Arg393Ter; replaces arginine 393 with a stop codon.
Molecular consequence: nonsense.
Genome position (GRCh38, 1-based): chr3:189,869,371, C>T. VCF-style: chr3-189869371-C-T. GRCh37 (hg19) VCF-style: chr3-189587160-C-T.
Other names: c.1177C>T, p.Arg393Ter (NM_001114978.2, NM_001114979.2, NM_001329144.2); c.895C>T, p.Arg299Ter (NM_001114980.2, NM_001114981.2, NM_001114982.2 and 1 more transcripts); c.640C>T, p.Arg214Ter (NM_001329146.2); c.1165C>T, p.Arg389Ter (NM_001329148.2); c.883C>T, p.Arg295Ter (NM_001329149.2); c.628C>T, p.Arg210Ter (NM_001329150.2); c.1171C>T, p.Arg391Ter (NM_001329964.2); short protein forms R393*, R210*, R214*, R295*, R299*, R389*, R391*.
Identifiers: ClinVar variation 381462 (VCV000381462.5), dbSNP rs941268998, ClinGen allele CA16604846.
Genomic context (GRCh38, chr3:189,869,371, plus strand): 5'-TTTCCTCCACCAGCGTTTCGTCAGAACACACATGGTATCCAGATGACATCCATCAAGAAA[C>T]GAAGATCCCCAGATGATGAACTGTTATACTTACCAGTAGGTCTTCCTTGGGTGTTCATGG-3'